The following is an entry in ClinVar:

NM_000059.4(BRCA2):c.515_516insC (p.Lys172fs)

Gene: BRCA2 (BRCA2 DNA repair associated; plus strand). Cytogenetic location: 13q13.1.
Variant type: Insertion.
Coding change: c.515_516insC on transcript NM_000059.4 (MANE Select); coding-DNA positions 515 to 516, C inserted.
Protein change: p.Lys172fs; shifts the reading frame from lysine 172.
Molecular consequence: frameshift variant.
Genome position: GRCh38 VCF-style: chr13-32326281-A-AC. GRCh37 (hg19) VCF-style: chr13-32900418-A-AC.
Other names: short protein forms K172fs.
Identifiers: ClinVar variation 548405 (VCV000548405.1), dbSNP rs1555281000, ClinGen allele CA658823630.

ClinVar aggregate classification (germline): Pathogenic (3 of 4 stars; one submission).

Conditions:
Breast-ovarian cancer, familial, susceptibility to, 2 (BROVCA2). Also called: BRCA2 Hereditary Breast and Ovarian Cancer. Identifiers: Orphanet 145, MedGen C2675520, MONDO:0012933, OMIM 612555. Disease mechanism: loss of function.

Submission:

Evidence-based Network for the Interpretation of Germline Mutant Alleles (ENIGMA)
Classification: Pathogenic for Breast-ovarian cancer, familial, susceptibility to, 2. Last evaluated: 2017-12-15. Review status: reviewed by expert panel. Criteria: ENIGMA BRCA1/2 Classification Criteria (2017-06-29). Collection method: curation. Allele origin: germline. Study: ENIGMA.
Comment: Variant allele predicted to encode a truncated non-functional protein.